The following is an entry in ClinVar:

NM_199242.3(UNC13D):c.1894G>A (p.Asp632Asn)

Gene: UNC13D (unc-13 homolog D; minus strand). Cytogenetic location: 17q25.1.
Variant type: single nucleotide variant.
Coding change: c.1894G>A on transcript NM_199242.3 (MANE Select); coding-DNA position 1894, G replaced by A.
Protein change: p.Asp632Asn; replaces aspartic acid 632 with asparagine.
Molecular consequence: missense variant.
Genome position (GRCh38, 1-based): chr17:75,835,018, C>T on the plus strand (G>A on the coding strand, the complement: UNC13D is on the minus strand). VCF-style: chr17-75835018-C-T. GRCh37 (hg19) VCF-style: chr17-73831099-C-T.
Other names: short protein forms D632N.
Identifiers: ClinVar variation 1435461 (VCV001435461.5), dbSNP rs762778765, ClinGen allele CA8772750.
Genomic context (GRCh38, chr17:75,835,018, plus strand): 5'-GGTCTGGCCAGTCCAGCTGCCGGGCAGTGTGGCTGATCTGGGCAAAGCAGGTGGATAGAT[C>T]CACCGCTGATGTGCTGTGCTTGGTCAGTTCACCCAGGGGCACCAGCTGGGGGAAGAAAGG-3'
Protein context (NP_954712.1, residues 622-642): ELTKHSTSAV[Asp632Asn]LSTCFAQISH

ClinVar aggregate classification (germline): Uncertain significance (1 of 4 stars; one submission).

Conditions:
Familial hemophagocytic lymphohistiocytosis 3 (FHL3). Also called: UNC13D-Related Familial Hemophagocytic Lymphohistiocytosis (UNC13D-fHLH). Identifiers: Orphanet 540, MedGen C1837174, MONDO:0012146, OMIM 608898.

Allele frequency attached by ClinVar (database versions not stated): gnomAD exomes below 0.00001 and 0.00001; TOPMed below 0.00001; ExAC 0.00001.
gnomAD v4.1: 14 of 1,614,062 alleles (0.00087%); highest among the groups gnomAD compares: Non-Finnish European, 0.0012%; no homozygotes.

Submission:

Labcorp Genetics (formerly Invitae), Labcorp
Classification: Uncertain significance for Familial hemophagocytic lymphohistiocytosis 3. Last evaluated: 2024-03-04. Review status: criteria provided, single submitter. Criteria: Invitae Variant Classification Sherloc (09022015). Collection method: clinical testing. Allele origin: germline.
Comment: This sequence change replaces aspartic acid with asparagine at codon 632 of the UNC13D protein (p.Asp632Asn). The aspartic acid residue is highly conserved and there is a small physicochemical difference between aspartic acid and asparagine. This variant is present in population databases (rs762778765, gnomAD 0.0009%). This variant has not been reported in the literature in individuals affected with UNC13D-related conditions. ClinVar contains an entry for this variant (Variation ID: 1435461). Advanced modeling of protein sequence and biophysical properties (such as structural, functional, and spatial information, amino acid conservation, physicochemical variation, residue mobility, and thermodynamic stability) performed at Invitae indicates that this missense variant is expected to disrupt UNC13D protein function with a positive predictive value of 80%. In summary, the available evidence is currently insufficient to determine the role of this variant in disease. Therefore, it has been classified as a Variant of Uncertain Significance.